The following is an entry in ClinVar:

NM_177924.5(ASAH1):c.1006C>G (p.Pro336Ala)

Gene: ASAH1 (N-acylsphingosine amidohydrolase 1; minus strand). Cytogenetic location: 8p22.
Variant type: single nucleotide variant.
Coding change: c.1006C>G on transcript NM_177924.5 (MANE Select); coding-DNA position 1006, C replaced by G.
Protein change: p.Pro336Ala; replaces proline 336 with alanine.
Molecular consequence: missense variant.
Genome position (GRCh38, 1-based): chr8:18,059,376, G>C on the plus strand (C>G on the coding strand, the complement: ASAH1 is on the minus strand). VCF-style: chr8-18059376-G-C. GRCh37 (hg19) VCF-style: chr8-17916885-G-C.
Other names: c.988C>G, p.Pro330Ala (NM_001127505.3); c.811C>G, p.Pro271Ala (NM_001363743.2); c.1054C>G, p.Pro352Ala (NM_004315.6); short protein forms P330A, P352A, P271A, P336A.
Identifiers: ClinVar variation 911470 (VCV000911470.8), dbSNP rs201632543, ClinGen allele CA4650597.

ClinVar aggregate classification (germline): Uncertain significance. Review status: criteria provided, multiple submitters, no conflicts (2 of 4 stars). 2 submissions from 2 submitters: Uncertain significance (2). Last evaluated 2026-01-28.

Conditions:
Farber lipogranulomatosis (FRBRL). Also called: Farber's lipogranulomatosis; AC DEFICIENCY; ACID CERAMIDASE DEFICIENCY; CERAMIDASE DEFICIENCY; N-LAURYLSPHINGOSINE DEACYLASE DEFICIENCY; Farber's disease. Identifiers: Orphanet 333, MedGen C0268255, MONDO:0009218, OMIM 228000.

Allele frequency attached by ClinVar (database versions not stated): TOPMed 0.00005; gnomAD 0.00007; ESP Exome Variant Server 0.00015; 1000 Genomes Project 30x 0.00016; 1000 Genomes Project 0.00020.

Submissions (2):

Labcorp Genetics (formerly Invitae), Labcorp
Classification: Uncertain significance. Last evaluated: 2026-01-28. Review status: criteria provided, single submitter. Criteria: Invitae Variant Classification Sherloc (09022015). Collection method: clinical testing. Allele origin: germline.
Comment: This sequence change replaces proline, which is neutral and non-polar, with alanine, which is neutral and non-polar, at codon 336 of the ASAH1 protein (p.Pro336Ala). This variant is present in population databases (rs201632543, gnomAD 0.07%). This variant has not been reported in the literature in individuals affected with ASAH1-related conditions. ClinVar contains an entry for this variant (Variation ID: 911470). Invitae Evidence Modeling of protein sequence and biophysical properties (such as structural, functional, and spatial information, amino acid conservation, physicochemical variation, residue mobility, and thermodynamic stability) indicates that this missense variant is not expected to disrupt ASAH1 protein function with a negative predictive value of 80%. In summary, the available evidence is currently insufficient to determine the role of this variant in disease. Therefore, it has been classified as a Variant of Uncertain Significance.

Illumina Laboratory Services, Illumina
Classification: Uncertain significance for Farber lipogranulomatosis. Last evaluated: 2018-01-12. Review status: criteria provided, single submitter. Criteria: ICSL Variant Classification Criteria 13 December 2019. Collection method: clinical testing. Allele origin: germline.